The following is an entry in ClinVar:

ClinVar aggregate classification (germline): Uncertain significance (1 of 4 stars; one submission).

Allele frequency attached by ClinVar (database versions not stated): gnomAD exomes below 0.00001.

Submission:

Labcorp Genetics (formerly Invitae), Labcorp
Classification: Uncertain significance. Last evaluated: 2021-12-23. Review status: criteria provided, single submitter. Criteria: Invitae Variant Classification Sherloc (09022015). Collection method: clinical testing. Allele origin: germline.
Comment: This sequence change replaces glutamine, which is neutral and polar, with arginine, which is basic and polar, at codon 1053 of the KIF11 protein (p.Gln1053Arg). In summary, the available evidence is currently insufficient to determine the role of this variant in disease. Therefore, it has been classified as a Variant of Uncertain Significance. Algorithms developed to predict the effect of missense changes on protein structure and function are either unavailable or do not agree on the potential impact of this missense change (SIFT: "Tolerated"; PolyPhen-2: "Probably Damaging"; Align-GVGD: "Class C0"). This variant has not been reported in the literature in individuals affected with KIF11-related conditions. This variant is not present in population databases (gnomAD no frequency).

NM_004523.4(KIF11):c.3158A>G (p.Gln1053Arg)

Gene: KIF11 (kinesin family member 11; plus strand). Cytogenetic location: 10q23.33.
Variant type: single nucleotide variant.
Coding change: c.3158A>G on transcript NM_004523.4 (MANE Select); coding-DNA position 3158, A replaced by G.
Protein change: p.Gln1053Arg; replaces glutamine 1053 with arginine.
Molecular consequence: missense variant.
Genome position (GRCh38, 1-based): chr10:92,653,783, A>G. VCF-style: chr10-92653783-A-G. GRCh37 (hg19) VCF-style: chr10-94413540-A-G.
Other names: short protein forms Q1053R.
Identifiers: ClinVar variation 2054793 (VCV002054793.4), dbSNP rs2492549503, ClinGen allele CA377808780.